The following is an entry in ClinVar:

ClinVar aggregate classification (germline): Likely benign. Review status: criteria provided, multiple submitters, no conflicts (2 of 4 stars). 3 submissions from 3 submitters: Likely benign (3). Last evaluated 2024-09-11.

Conditions:
Propionic acidemia (PROP). Also called: GLYCINEMIA, KETOTIC; HYPERGLYCINEMIA WITH KETOACIDOSIS AND LEUKOPENIA; KETOTIC HYPERGLYCINEMIA. Identifiers: Orphanet 35, MedGen C0268579, MONDO:0011628, OMIM 606054, HP:0003571.

Allele frequency attached by ClinVar (database versions not stated): gnomAD exomes 0.00001; ExAC 0.00002; TOPMed 0.00002; gnomAD 0.00003 and 0.00004; ESP Exome Variant Server 0.00008.
gnomAD v4.1: 20 of 1,613,904 alleles (0.0012%); highest among the groups gnomAD compares: East Asian, 0.0089%; no homozygotes.

Submissions (3):

Labcorp Genetics (formerly Invitae), Labcorp
Classification: Likely benign for Propionic acidemia. Last evaluated: 2024-09-11. Review status: criteria provided, single submitter. Criteria: Invitae Variant Classification Sherloc (09022015). Collection method: clinical testing. Allele origin: germline.

Blueprint Genetics
Classification: Likely benign. Last evaluated: 2021-09-07. Review status: criteria provided, single submitter. Criteria: ACMG Guidelines, 2015. Collection method: clinical testing. Allele origin: germline.

GeneDx
Classification: Likely benign. Last evaluated: 2017-07-17. Review status: criteria provided, single submitter. Criteria: GeneDx Variant Classification (06012015). Collection method: clinical testing. Allele origin: germline. Affected: yes.
Comment: This variant is considered likely benign or benign based on one or more of the following criteria: it is a conservative change, it occurs at a poorly conserved position in the protein, it is predicted to be benign by multiple in silico algorithms, and/or has population frequency not consistent with disease.

NM_000282.4(PCCA):c.1176C>T (p.Asn392=)

Gene: PCCA (propionyl-CoA carboxylase subunit alpha; plus strand). Cytogenetic location: 13q32.3.
Variant type: single nucleotide variant.
Coding change: c.1176C>T on transcript NM_000282.4 (MANE Select); coding-DNA position 1176, C replaced by T.
Protein change: p.Asn392=; no amino-acid change (asparagine 392 retained).
Molecular consequence: synonymous variant. On other transcripts: non-coding transcript variant (5), intron variant (3).
Genome position (GRCh38, 1-based): chr13:100,301,570, C>T. VCF-style: chr13-100301570-C-T. GRCh37 (hg19) VCF-style: chr13-100953824-C-T.
Other names: c.1098C>T, p.Asn366= (NM_001127692.3, NM_001352607.2); c.1176C>T, p.Asn392= (NM_001178004.2, NM_001352605.2, NM_001352609.2); c.231C>T, p.Asn77= (NM_001352610.2, NM_001352611.2); c.1066-1354C>T (NM_001352606.2); c.121-1354C>T (NM_001352612.2); c.988-1354C>T (NM_001352608.2).
Identifiers: ClinVar variation 510877 (VCV000510877.10), dbSNP rs138597181, ClinGen allele CA7033523.